The following is an entry in ClinVar:

ClinVar aggregate classification (germline): Conflicting classifications of pathogenicity. Review status: criteria provided, conflicting classifications (1 of 4 stars). 4 submissions from 4 submitters: Uncertain significance (2); Likely benign (2). Last evaluated 2026-02-01.

Conditions:
Inborn genetic diseases. Identifiers: MedGen C0950123, MeSH D030342.

Allele frequency attached by ClinVar (database versions not stated): gnomAD 0.00014 and 0.00015; gnomAD exomes 0.00015 and 0.00072; TOPMed 0.00036; 1000 Genomes Project 0.00040; 1000 Genomes Project 30x 0.00047; ExAC 0.00048.
gnomAD v4.1: 242 of 1,613,616 alleles (0.015%); highest among the groups gnomAD compares: Admixed American, 0.39%; no homozygotes.

Submissions (4):

Labcorp Genetics (formerly Invitae), Labcorp
Classification: Likely benign. Last evaluated: 2026-02-01. Review status: criteria provided, single submitter. Criteria: Invitae Variant Classification Sherloc (09022015). Collection method: clinical testing. Allele origin: germline.

Ambry Genetics
Classification: Uncertain significance for Inborn genetic diseases. Last evaluated: 2025-08-08. Review status: criteria provided, single submitter. Criteria: Ambry Variant Classification Scheme 2023. Collection method: clinical testing. Allele origin: germline.

Women's Health and Genetics/Laboratory Corporation of America, LabCorp
Classification: Likely benign. Last evaluated: 2024-02-08. Review status: criteria provided, single submitter. Criteria: LabCorp Variant Classification Summary - May 2015. Collection method: clinical testing. Allele origin: germline.
Comment: Variant summary: OBSL1 c.2600C>A (p.Pro867His) results in a non-conservative amino acid change located in the immunoglobulin subtype 2 domain (IPR003598) of the encoded protein sequence. Three of five in-silico tools predict a damaging effect of the variant on protein function. The variant allele was found at a frequency of 0.00072 in 248094 control chromosomes, predominantly at a frequency of 0.005 within the Latino subpopulation in the gnomAD database. The observed variant frequency within Latino control individuals in the gnomAD database is approximately 4-fold of the estimated maximal expected allele frequency for a pathogenic variant in OBSL1 causing Three M Syndrome 2 phenotype (0.0011), suggesting that the variant is a benign polymorphism found primarily in populations of Latino origin. To our knowledge, no occurrence of c.2600C>A in individuals affected with Three M Syndrome 2 and no experimental evidence demonstrating its impact on protein function have been reported. ClinVar contains an entry for this variant (Variation ID: 747564). Based on the evidence outlined above, the variant was classified as likely benign.

Blueprint Genetics
Classification: Uncertain significance. Last evaluated: 2023-08-17. Review status: criteria provided, single submitter. Criteria: ACMG Guidelines, 2015. Collection method: clinical testing. Allele origin: germline.

NM_015311.3(OBSL1):c.2600C>A (p.Pro867His)

Gene: OBSL1 (obscurin like cytoskeletal adaptor 1; minus strand). Cytogenetic location: 2q35.
Variant type: single nucleotide variant.
Coding change: c.2600C>A on transcript NM_015311.3 (MANE Select); coding-DNA position 2600, C replaced by A.
Protein change: p.Pro867His; replaces proline 867 with histidine.
Molecular consequence: missense variant.
Genome position (GRCh38, 1-based): chr2:219,563,435, G>T on the plus strand (C>A on the coding strand, the complement: OBSL1 is on the minus strand). VCF-style: chr2-219563435-G-T. GRCh37 (hg19) VCF-style: chr2-220428157-G-T.
Other names: c.2600C>A, p.Pro867His (NM_001173408.2, NM_001173431.2); short protein forms P867H.
Identifiers: ClinVar variation 747564 (VCV000747564.15), dbSNP rs200723165, ClinGen allele CA2131169.
Genomic context (GRCh38, chr2:219,563,435, plus strand): 5'-TAGGCACACTCATCTCCAGCGACGCACTGAAACTCGCCCCCGTCTGAGGGCTGGGTGGCG[G>T]GCAGCACCAGGCGGCGATGGGGCCCCTCATTCTCCAGCACCACGAAGTCACTCTCCTCCA-3'
Protein context (NP_056126.1, residues 857-877): NEGPHRRLVL[Pro867His]ATQPSDGGEF